The following is an entry in ClinVar:

NM_024675.4(PALB2):c.3403G>A (p.Gly1135Arg)

Gene: PALB2 (partner and localizer of BRCA2; minus strand). Cytogenetic location: 16p12.2.
Variant type: single nucleotide variant.
Coding change: c.3403G>A on transcript NM_024675.4 (MANE Select); coding-DNA position 3403, G replaced by A.
Protein change: p.Gly1135Arg; replaces glycine 1135 with arginine.
Molecular consequence: missense variant. On other transcripts: 3 prime UTR variant (5).
Genome position (GRCh38, 1-based): chr16:23,603,617, C>T on the plus strand (G>A on the coding strand, the complement: PALB2 is on the minus strand). VCF-style: chr16-23603617-C-T. GRCh37 (hg19) VCF-style: chr16-23614938-C-T.
Other names: c.3343G>A, p.Gly1115Arg (NM_001407296.1); c.3331G>A, p.Gly1111Arg (NM_001407297.1); c.3241G>A, p.Gly1081Arg (NM_001407298.1); c.3166G>A, p.Gly1056Arg (NM_001407299.1); c.3124G>A, p.Gly1042Arg (NM_001407300.1); c.*38G>A (NM_001407301.1, NM_001407302.1, NM_001407310.1 and 2 more transcripts); c.2518G>A, p.Gly840Arg (NM_001407304.1, NM_001407305.1, NM_001407306.1); c.2356G>A, p.Gly786Arg (NM_001407307.1); and 3 more; short protein forms G1081R, G1135R, G761R, G1111R, G1115R, G840R, G1056R, G539R.
Identifiers: ClinVar variation 2855788 (VCV002855788.3), dbSNP rs2142254584, ClinGen allele CA395138243.
Genomic context (GRCh38, chr16:23,603,617, plus strand): 5'-AGACAGGTGGGAGGAGGGCAGTACACTGACCGAGAAGTAAGTCCCAAATGGCAATTGTTC[C>T]AGAAGTCAAGATTGCTGCTGCACAGTGATCTTTCACGTCACCTTCCAGGAACCTGATAGC-3'
Protein context (NP_078951.2, residues 1125-1145): DHCAAAILTS[Gly1135Arg]TIAIWDLLLG

ClinVar aggregate classification (germline): Uncertain significance (1 of 4 stars; one submission).

Conditions:
Familial cancer of breast. Also called: Hereditary breast cancer; BREAST CANCER, FAMILIAL; hereditary breast carcinoma. Identifiers: Orphanet 227535, MedGen C0346153, MONDO:0016419, OMIM 114480. Disease mechanism: loss of function.

Submission:

Labcorp Genetics (formerly Invitae), Labcorp
Classification: Uncertain significance for Familial cancer of breast. Last evaluated: 2025-04-14. Review status: criteria provided, single submitter. Criteria: Invitae Variant Classification Sherloc (09022015). Collection method: clinical testing. Allele origin: germline.
Comment: This sequence change replaces glycine, which is neutral and non-polar, with arginine, which is basic and polar, at codon 1135 of the PALB2 protein (p.Gly1135Arg). This variant is not present in population databases (gnomAD no frequency). This variant has not been reported in the literature in individuals affected with PALB2-related conditions. ClinVar contains an entry for this variant (Variation ID: 2855788). An algorithm developed to predict the effect of missense changes on protein structure and function (PolyPhen-2) suggests that this variant is likely to be disruptive. In summary, the available evidence is currently insufficient to determine the role of this variant in disease. Therefore, it has been classified as a Variant of Uncertain Significance.